The following is an entry in ClinVar:

ClinVar aggregate classification (germline): Uncertain significance. Review status: criteria provided, multiple submitters, no conflicts (2 of 4 stars). 2 submissions from 2 submitters: Uncertain significance (2). Last evaluated 2024-12-10.

Conditions:
Inborn genetic diseases. Identifiers: MedGen C0950123, MeSH D030342.
Autosomal recessive limb-girdle muscular dystrophy type R18 (LGMDR18). Also called: Autosomal recessive limb-girdle muscular dystrophy type 2S; Limb-girdle muscular dystrophy, type 2S; MUSCULAR DYSTROPHY, LIMB-GIRDLE, AUTOSOMAL RECESSIVE 18. Identifiers: Orphanet 369840, MedGen C4517996, MONDO:0014144, OMIM 615356.

Allele frequency attached by ClinVar (database versions not stated): gnomAD exomes below 0.00001; gnomAD 0.00003; TOPMed 0.00003.
gnomAD v4.1: 10 of 1,601,228 alleles (0.00062%); highest among the groups gnomAD compares: Admixed American, 0.0033%; no homozygotes.

Submissions (2):

Ambry Genetics
Classification: Uncertain significance for Inborn genetic diseases. Last evaluated: 2024-12-10. Review status: criteria provided, single submitter. Criteria: Ambry Variant Classification Scheme 2023. Collection method: clinical testing. Allele origin: germline.

Labcorp Genetics (formerly Invitae), Labcorp
Classification: Uncertain significance for Autosomal recessive limb-girdle muscular dystrophy type R18. Last evaluated: 2020-02-27. Review status: criteria provided, single submitter. Criteria: Invitae Variant Classification Sherloc (09022015). Collection method: clinical testing. Allele origin: germline.
Comment: In summary, the available evidence is currently insufficient to determine the role of this variant in disease. Therefore, it has been classified as a Variant of Uncertain Significance. Algorithms developed to predict the effect of missense changes on protein structure and function (SIFT, PolyPhen-2, Align-GVGD) all suggest that this variant is likely to be tolerated, but these predictions have not been confirmed by published functional studies and their clinical significance is uncertain. This variant has not been reported in the literature in individuals with TRAPPC11-related conditions. This variant is not present in population databases (ExAC no frequency). This sequence change replaces threonine with proline at codon 999 of the TRAPPC11 protein (p.Thr999Pro). The threonine residue is weakly conserved and there is a small physicochemical difference between threonine and proline.

NM_021942.6(TRAPPC11):c.2995A>C (p.Thr999Pro)

Gene: TRAPPC11 (trafficking protein particle complex subunit 11; plus strand). Cytogenetic location: 4q35.1.
Variant type: single nucleotide variant.
Coding change: c.2995A>C on transcript NM_021942.6 (MANE Select); coding-DNA position 2995, A replaced by C.
Protein change: p.Thr999Pro; replaces threonine 999 with proline.
Molecular consequence: missense variant.
Genome position (GRCh38, 1-based): chr4:183,705,010, A>C. VCF-style: chr4-183705010-A-C. GRCh37 (hg19) VCF-style: chr4-184626163-A-C.
Other names: c.2995A>C, p.Thr999Pro (NM_199053.3); c.2995A>C (NM_021942.4); short protein forms T999P.
Identifiers: ClinVar variation 942227 (VCV000942227.9), dbSNP rs1453357796, ClinGen allele CA358874185.